The following is an entry in ClinVar:

ClinVar aggregate classification (germline): drug response. Review status: reviewed by expert panel (3 of 4 stars). 5 submissions from 5 submitters: drug response (1). 4 of the submissions do not count toward it. Last evaluated 2021-03-24.

Conditions:
Developmental and epileptic encephalopathy, 35 (DEE35). Also called: Epileptic encephalopathy, early infantile, 35. Identifiers: Orphanet 457375, MedGen C4225256, MONDO:0014719, OMIM 616647.
Inosine triphosphatase deficiency. Also called: INOSINE TRIPHOSPHATE PYROPHOSPHOHYDROLASE DEFICIENCY. Identifiers: MedGen C0342800, MONDO:0013461, OMIM 613850.
peginterferon alfa-2b and ribavirin response - Toxicity.

Allele frequency attached by ClinVar (database versions not stated): gnomAD 0.09620 and 0.09874; gnomAD exomes 0.08734; 1000 Genomes Project 0.05911; ExAC 0.08863; TOPMed 0.09797; ESP Exome Variant Server 0.11179; 1000 Genomes Project 30x 0.06059.
gnomAD v4.1: 186,398 of 1,613,972 alleles (12%); highest among the groups gnomAD compares: Non-Finnish European, 14%; 11,835 homozygotes.

Submissions (5):

ClinPGx
Classification: drug response for peginterferon alfa-2b and ribavirin response - Toxicity. Last evaluated: 2021-03-24. Review status: reviewed by expert panel. Criteria: Pharmacogenomics knowledge for personalized medicine. Collection method: curation. Allele origin: germline. Affected: yes.
Comment: PharmGKB Level of Evidence 2B: Variants in Level 2B clinical annotations are not in PharmGKB’s Tier 1 VIPs. These clinical annotations describe variant-drug combinations with a moderate level of evidence supporting the association. For example, the association may be found in multiple cohorts, but there may be a minority of studies that do not support the majority assertion. Level 2B clinical annotations must be supported by at least two independent publications.

Drug is not necessarily used to treat response condition

Labcorp Genetics (formerly Invitae), Labcorp
Classification: Benign for Inosine triphosphatase deficiency. Last evaluated: 2026-01-26. Review status: criteria provided, single submitter. Criteria: Invitae Variant Classification Sherloc (09022015). Collection method: clinical testing. Allele origin: germline. Not counted in ClinVar's aggregate classification.

Genome-Nilou Lab
Classification: Benign for Developmental and epileptic encephalopathy, 35. Last evaluated: 2021-08-19. Review status: criteria provided, single submitter. Criteria: ACMG Guidelines, 2015. Collection method: clinical testing. Allele origin: germline. Affected: no. Not counted in ClinVar's aggregate classification.

GeneDx
Classification: Benign. Last evaluated: 2021-05-12. Review status: criteria provided, single submitter. Criteria: GeneDx Variant Classification Process June 2021. Collection method: clinical testing. Allele origin: germline. Affected: yes. Not counted in ClinVar's aggregate classification.
Comment: This variant is associated with the following publications: (PMID: 19579612, 12384777, 20547162, 22613675, 17113761, 20173735, 22939045)

OMIM
Classification: Affects for INOSINE TRIPHOSPHATASE DEFICIENCY. Last evaluated: 2002-10-01. Review status: no assertion criteria provided. Collection method: literature only. Allele origin: germline. Not counted in ClinVar's aggregate classification.

Literature cited by the submitters: PubMed 20173735 (cited by ClinPGx); PubMed 20547162 (cited by ClinPGx); PubMed 21274861 (cited by ClinPGx); PubMed 26438033 (cited by ClinPGx); PubMed 26441325 (cited by ClinPGx); PubMed 26670100 (cited by ClinPGx); PubMed 12384777 (cited by OMIM).

NM_033453.4(ITPA):c.124+21A>C

Gene: ITPA (inosine triphosphatase; plus strand). Cytogenetic location: 20p13.
Variant type: single nucleotide variant.
Coding change: c.124+21A>C on transcript NM_033453.4 (MANE Select); 21 bases into the intron after coding-DNA position 124, A replaced by C.
Molecular consequence: intron variant.
Genome position (GRCh38, 1-based): chr20:3,213,247, A>C. VCF-style: chr20-3213247-A-C. GRCh37 (hg19) VCF-style: chr20-3193893-A-C.
Other names: IVS2DS, A-C, +21 (rs7270101); c.-214+21A>C (NM_001324237.2); c.-274-11A>C (NM_001324238.2, NM_001324236.2, NM_001351739.2); c.124+21A>C (NM_001324240.2); c.67-738A>C (NM_001267623.2); c.73+21A>C (NM_181493.4).
Identifiers: ClinVar variation 14747 (VCV000014747.15), dbSNP rs7270101, ClinGen allele CA124293.